The following is an entry in ClinVar:

NM_001009999.3(KDM1A):c.893C>T (p.Thr298Ile)

Gene: KDM1A (lysine demethylase 1A; plus strand). Cytogenetic location: 1p36.12.
Variant type: single nucleotide variant.
Coding change: c.893C>T on transcript NM_001009999.3 (MANE Select); coding-DNA position 893, C replaced by T.
Protein change: p.Thr298Ile; replaces threonine 298 with isoleucine.
Molecular consequence: missense variant.
Genome position (GRCh38, 1-based): chr1:23,055,941, C>T. VCF-style: chr1-23055941-C-T. GRCh37 (hg19) VCF-style: chr1-23382434-C-T.
Other names: c.833C>T, p.Thr278Ile (NM_001363654.2, NM_001410763.1, NM_015013.4); c.893C>T, p.Thr298Ile (NM_001410762.1); short protein forms T278I, T298I.
Identifiers: ClinVar variation 3863244 (VCV003863244.1).
Genomic context (GRCh38, chr1:23,055,941, plus strand): 5'-ACAAACTTTTATACCTAAAACAAAATCTTTTTTTTCATTTTTTGCTTTTAGCTAAAAAGA[C>T]AGGAAAGGTAATTATTATAGGCTCTGGGGTCTCAGGCTTGGCAGCAGCTCGACAGTTACA-3'
Protein context (NP_001009999.1, residues 288-308): KRIKPLPTKK[Thr298Ile]GKVIIIGSGV

ClinVar aggregate classification (germline): Uncertain significance (1 of 4 stars; one submission).

Conditions:
Inborn genetic diseases. Identifiers: MedGen C0950123, MeSH D030342.

gnomAD v4.1: 1 of 1,602,566 alleles (0.000062%); highest among the groups gnomAD compares: Admixed American, 0.0017%; no homozygotes.

Submission:

Ambry Genetics
Classification: Uncertain significance for Inborn genetic diseases. Last evaluated: 2025-01-03. Review status: criteria provided, single submitter. Criteria: Ambry Variant Classification Scheme 2023. Collection method: clinical testing. Allele origin: germline.
Comment: The p.T298I variant (also known as c.893C>T), located in coding exon 7 of the KDM1A gene, results from a C to T substitution at nucleotide position 893. The threonine at codon 298 is replaced by isoleucine, an amino acid with similar properties. This amino acid position is conserved. In addition, this alteration is predicted to be tolerated by in silico analysis. Based on the available evidence, the clinical significance of this variant remains unclear.